The following is an entry in ClinVar:

ClinVar aggregate classification (germline): Likely benign. Review status: criteria provided, multiple submitters, no conflicts (2 of 4 stars). 2 submissions from 2 submitters: Likely benign (2). Last evaluated 2024-05-28.

Conditions:
Ataxia-telangiectasia syndrome (AT). Also called: LOUIS-BAR SYNDROME; Cerebello-oculocutaneous telangiectasia; Immunodeficiency with ataxia telangiectasia; Ataxia telangiectasia (A-T); Ataxia-telangiectasia, complementation group D; AT, COMPLEMENTATION GROUP C. Identifiers: Orphanet 100, MedGen C0004135, MONDO:0008840, OMIM 208900.
Familial cancer of breast. Also called: BREAST CANCER, FAMILIAL; Hereditary breast cancer; hereditary breast carcinoma. Identifiers: Orphanet 227535, MedGen C0346153, MONDO:0016419, OMIM 114480. Disease mechanism: loss of function.

Allele frequency attached by ClinVar (database versions not stated): gnomAD 0.00001.
gnomAD v4.1: 1 of 1,518,476 alleles (0.000066%); highest among the groups gnomAD compares: Admixed American, 0.0017%; no homozygotes.

Submissions (2):

Myriad Genetics, Inc.
Classification: Likely benign for Familial cancer of breast. Last evaluated: 2024-05-28. Review status: criteria provided, single submitter. Criteria: Myriad Autosomal Dominant, Autosomal Recessive and X-Linked Classification Criteria (2023). Collection method: clinical testing. Allele origin: unknown.
Comment: This variant is considered likely benign. This variant is intronic and is not expected to impact mRNA splicing.

Labcorp Genetics (formerly Invitae), Labcorp
Classification: Likely benign for Ataxia-telangiectasia syndrome. Last evaluated: 2023-08-29. Review status: criteria provided, single submitter. Criteria: Invitae Variant Classification Sherloc (09022015). Collection method: clinical testing. Allele origin: germline.

NM_000051.4(ATM):c.5919-19G>A

Genes: ATM (ATM serine/threonine kinase; plus strand), C11orf65 (chromosome 11 open reading frame 65; minus strand). Cytogenetic location: 11q22.3.
Variant type: single nucleotide variant.
Coding change: c.5919-19G>A on transcript NM_000051.4 (MANE Select); 19 bases into the intron before coding-DNA position 5919, G replaced by A.
Molecular consequence: intron variant.
Genome position (GRCh38, 1-based): chr11:108,312,392, G>A. VCF-style: chr11-108312392-G-A. GRCh37 (hg19) VCF-style: chr11-108183119-G-A.
Other names: c.5919-19G>A (NM_001351834.2); c.641-3321C>T (NM_001330368.2); c.*39-3321C>T (NM_001351110.2).
Identifiers: ClinVar variation 1578781 (VCV001578781.9), dbSNP rs1679583556, ClinGen allele CA942021507.